The following is an entry in ClinVar:

NM_006254.4(PRKCD):c.1342T>A (p.Tyr448Asn)

Gene: PRKCD (protein kinase C delta; plus strand). Cytogenetic location: 3p21.1.
Variant type: single nucleotide variant.
Coding change: c.1342T>A on transcript NM_006254.4 (MANE Select); coding-DNA position 1342, T replaced by A.
Protein change: p.Tyr448Asn; replaces tyrosine 448 with asparagine.
Molecular consequence: missense variant.
Genome position (GRCh38, 1-based): chr3:53,186,685, T>A. VCF-style: chr3-53186685-T-A. GRCh37 (hg19) VCF-style: chr3-53220701-T-A.
Other names: c.1342T>A, p.Tyr448Asn (NM_001316327.2, NM_001354679.2, NM_001354680.2 and 1 more transcripts); c.1399T>A, p.Tyr467Asn (NM_001354676.2); c.1390T>A, p.Tyr464Asn (NM_001354678.2); short protein forms Y467N, Y448N, Y464N.
Identifiers: ClinVar variation 950411 (VCV000950411.5), dbSNP rs141979341, ClinGen allele CA2452144.

ClinVar aggregate classification (germline): Uncertain significance. Review status: criteria provided, multiple submitters, no conflicts (2 of 4 stars). 2 submissions from 2 submitters: Uncertain significance (2). Last evaluated 2024-10-21.

Conditions:
Autoimmune lymphoproliferative syndrome, type III caused by mutation in PRKCD. Identifiers: Orphanet 3261, Orphanet 664711, MedGen C3809928, MONDO:8000024, OMIM 615559.

Allele frequency attached by ClinVar (database versions not stated): TOPMed 0.00002; gnomAD 0.00003; gnomAD exomes 0.00004 and 0.00005; ExAC 0.00007; 1000 Genomes Project 30x 0.00016; 1000 Genomes Project 0.00020.
gnomAD v4.1: 67 of 1,613,622 alleles (0.0042%); highest among the groups gnomAD compares: Non-Finnish European, 0.0057%; no homozygotes.

Submissions (2):

Blueprint Genetics
Classification: Uncertain significance. Last evaluated: 2024-10-21. Review status: criteria provided, single submitter. Criteria: ACMG Guidelines, 2015. Collection method: clinical testing. Allele origin: germline.

Labcorp Genetics (formerly Invitae), Labcorp
Classification: Uncertain significance for Autoimmune lymphoproliferative syndrome, type III caused by mutation in PRKCD. Last evaluated: 2021-11-04. Review status: criteria provided, single submitter. Criteria: Invitae Variant Classification Sherloc (09022015). Collection method: clinical testing. Allele origin: germline.
Comment: This sequence change replaces tyrosine, which is neutral and polar, with asparagine, which is neutral and polar, at codon 448 of the PRKCD protein (p.Tyr448Asn). This variant is present in population databases (rs141979341, gnomAD 0.01%). This variant has not been reported in the literature in individuals affected with PRKCD-related conditions. ClinVar contains an entry for this variant (Variation ID: 950411). Algorithms developed to predict the effect of missense changes on protein structure and function are either unavailable or do not agree on the potential impact of this missense change (SIFT: "Deleterious"; PolyPhen-2: "Benign"; Align-GVGD: "Class C0"). In summary, the available evidence is currently insufficient to determine the role of this variant in disease. Therefore, it has been classified as a Variant of Uncertain Significance.